The following is an entry in ClinVar:

NM_000038.6(APC):c.1743G>A (p.Lys581=)

Gene: APC (APC regulator of Wnt signaling pathway; plus strand). Cytogenetic location: 5q22.2.
Variant type: single nucleotide variant.
Coding change: c.1743G>A on transcript NM_000038.6 (MANE Select); coding-DNA position 1743, G replaced by A.
Protein change: p.Lys581=; no amino-acid change (lysine 581 retained).
Molecular consequence: synonymous variant.
Genome position (GRCh38, 1-based): chr5:112,828,972, G>A. VCF-style: chr5-112828972-G-A. GRCh37 (hg19) VCF-style: chr5-112164669-G-A.
Other names: c.1566G>A, p.Lys522= (NM_001354901.2, NM_001407453.1); c.1470G>A, p.Lys490= (NM_001354902.2); c.1440G>A, p.Lys480= (NM_001354903.2, NM_001407458.1, NM_001407459.1 and 1 more transcripts); c.1365G>A, p.Lys455= (NM_001354904.2); c.894G>A, p.Lys298= (NM_001354906.2, NM_001407470.1); c.1827G>A, p.Lys609= (NM_001407446.1); c.1797G>A, p.Lys599= (NM_001407447.1, NM_001407448.1, NM_001354896.2 and 1 more transcripts); c.1263G>A, p.Lys421= (NM_001354905.2); and 11 more.
Identifiers: ClinVar variation 2774783 (VCV002774783.2), dbSNP rs1114167592, ClinGen allele CA445757438.

ClinVar aggregate classification (germline): Uncertain significance (1 of 4 stars; one submission).

Conditions:
Hereditary cancer-predisposing syndrome. Also called: Neoplastic Syndromes, Hereditary; Tumor predisposition; Hereditary Cancer Syndrome; Hereditary neoplastic syndrome. Identifiers: Orphanet 140162, MedGen C0027672, MeSH D009386, MONDO:0015356.

Submission:

Color Diagnostics, LLC DBA Color Health
Classification: Uncertain significance for Hereditary cancer-predisposing syndrome. Last evaluated: 2021-09-07. Review status: criteria provided, single submitter. Criteria: ACMG Guidelines, 2015. Collection method: clinical testing. Allele origin: germline.
Comment: This synonymous variant is located at the last nucleotide of exon 14 in the APC gene. To our knowledge, functional studies have not been reported for this variant. This variant has not been reported in individuals affected with hereditary cancer in the literature. This variant has not been identified in the general population by the Genome Aggregation Database (gnomAD). The available evidence is insufficient to determine the role of this variant in disease conclusively. Therefore, this variant is classified as a Variant of Uncertain Significance.